The following is an entry in ClinVar:

NM_000489.6(ATRX):c.5888G>A (p.Arg1963Gln)

Gene: ATRX (ATRX chromatin remodeler; minus strand). Cytogenetic location: Xq21.1.
Variant type: single nucleotide variant.
Coding change: c.5888G>A on transcript NM_000489.6 (MANE Select); coding-DNA position 5888, G replaced by A.
Protein change: p.Arg1963Gln; replaces arginine 1963 with glutamine.
Molecular consequence: missense variant.
Genome position (GRCh38, 1-based): chrX:77,599,479, C>T on the plus strand (G>A on the coding strand, the complement: ATRX is on the minus strand). VCF-style: chrX-77599479-C-T. GRCh37 (hg19) VCF-style: chrX-76854948-C-T.
Other names: c.5774G>A, p.Arg1925Gln (NM_138270.5); short protein forms R1925Q, R1963Q.
Identifiers: ClinVar variation 2851400 (VCV002851400.3), dbSNP rs1298784101, ClinGen allele CA413697630.
Genomic context (GRCh38, chrX:77,599,479, plus strand): 5'-AGTTTTAAAGAAACAGAAGGATTGTTTCCTGTTTCATCCACATTTCCTTCACCACCTCCC[C>T]GAGATCTTGAATTCCAGACCTTAATCACTTCAACATCATTGTCACTGCCACTTCCACTTG-3'
Protein context (NP_000480.3, residues 1953-1973): EVIKVWNSRS[Arg1963Gln]GGGEGNVDET

ClinVar aggregate classification (germline): Uncertain significance (1 of 4 stars; one submission).

Conditions:
Alpha thalassemia-X-linked intellectual disability syndrome (ATRX). Also called: ALPHA-THALASSEMIA/MENTAL RETARDATION SYNDROME, X-LINKED; ATR, NONDELETION TYPE; ATR-X syndrome; Alpha thalassemia mental retardation syndrome, nondeletion type, X-linked; XLMR hypotonic face syndrome; X-linked alpha-thalassemia-mental retardation syndrome. Identifiers: Orphanet 847, MedGen C1845055, MONDO:0010519, OMIM 301040.

Allele frequency attached by ClinVar (database versions not stated): TOPMed 0.00001.

Submission:

Labcorp Genetics (formerly Invitae), Labcorp
Classification: Uncertain significance for Alpha thalassemia-X-linked intellectual disability syndrome. Last evaluated: 2026-01-11. Review status: criteria provided, single submitter. Criteria: Invitae Variant Classification Sherloc (09022015). Collection method: clinical testing. Allele origin: germline.
Comment: This sequence change replaces arginine, which is basic and polar, with glutamine, which is neutral and polar, at codon 1963 of the ATRX protein (p.Arg1963Gln). This variant is not present in population databases (gnomAD no frequency). This variant has not been reported in the literature in individuals affected with ATRX-related conditions. ClinVar contains an entry for this variant (Variation ID: 2851400). Invitae Evidence Modeling of protein sequence and biophysical properties (such as structural, functional, and spatial information, amino acid conservation, physicochemical variation, residue mobility, and thermodynamic stability) has been performed for this missense variant. However, the output from this modeling did not meet the statistical confidence thresholds required to predict the impact of this variant on ATRX protein function. In summary, the available evidence is currently insufficient to determine the role of this variant in disease. Therefore, it has been classified as a Variant of Uncertain Significance.